The following is an entry in ClinVar:

NM_000094.4(COL7A1):c.3929C>T (p.Pro1310Leu)

Gene: COL7A1 (collagen type VII alpha 1 chain; minus strand). Cytogenetic location: 3p21.31.
Variant type: single nucleotide variant.
Coding change: c.3929C>T on transcript NM_000094.4 (MANE Select); coding-DNA position 3929, C replaced by T.
Protein change: p.Pro1310Leu; replaces proline 1310 with leucine.
Molecular consequence: missense variant.
Genome position (GRCh38, 1-based): chr3:48,585,082, G>A on the plus strand (C>T on the coding strand, the complement: COL7A1 is on the minus strand). VCF-style: chr3-48585082-G-A. GRCh37 (hg19) VCF-style: chr3-48622515-G-A.
Other names: short protein forms P1310L.
Identifiers: ClinVar variation 989740 (VCV000989740.3), dbSNP rs2045143069, ClinGen allele CA352698216.
Genomic context (GRCh38, chr3:48,585,082, plus strand): 5'-CAAGGCTTGCTCACCTTTAGGCCAGGGGCTCCAGGGGTCCCAGGATTCCCGGCGCGGCCA[G>A]GGCTGCCTGGACGCCCATCTGCTCCAGGGAAGCCCTGAGGAGGTGAAGAGGTCAGGACAG-3'
Protein context (NP_000085.1, residues 1300-1320): FPGADGRPGS[Pro1310Leu]GRAGNPGTPG

ClinVar aggregate classification (germline): Uncertain significance. Review status: criteria provided, multiple submitters, no conflicts (2 of 4 stars). 3 submissions from 3 submitters: Uncertain significance (2). 1 of the submissions does not count toward it. Last evaluated 2024-10-18.

Conditions:
Epidermolysis bullosa dystrophica inversa, autosomal recessive. Identifiers: MedGen C2673612.

Allele frequency attached by ClinVar (database versions not stated): gnomAD exomes below 0.00001.
gnomAD v4.1: 3 of 1,612,198 alleles (0.00019%); highest among the groups gnomAD compares: Middle Eastern, 0.035%; no homozygotes.

Submissions (3):

Blueprint Genetics
Classification: Uncertain significance. Last evaluated: 2024-10-18. Review status: criteria provided, single submitter. Criteria: ACMG Guidelines, 2015. Collection method: clinical testing. Allele origin: germline.

Labcorp Genetics (formerly Invitae), Labcorp
Classification: Uncertain significance. Last evaluated: 2024-02-22. Review status: criteria provided, single submitter. Criteria: Invitae Variant Classification Sherloc (09022015). Collection method: clinical testing. Allele origin: germline.
Comment: This sequence change replaces proline, which is neutral and non-polar, with leucine, which is neutral and non-polar, at codon 1310 of the COL7A1 protein (p.Pro1310Leu). This variant is not present in population databases (gnomAD no frequency). This variant has not been reported in the literature in individuals affected with COL7A1-related conditions. ClinVar contains an entry for this variant (Variation ID: 989740). Advanced modeling of protein sequence and biophysical properties (such as structural, functional, and spatial information, amino acid conservation, physicochemical variation, residue mobility, and thermodynamic stability) has been performed at Invitae for this missense variant, however the output from this modeling did not meet the statistical confidence thresholds required to predict the impact of this variant on COL7A1 protein function. In summary, the available evidence is currently insufficient to determine the role of this variant in disease. Therefore, it has been classified as a Variant of Uncertain Significance.

Natera, Inc.
Classification: Uncertain significance for Autosomal recessive epidermolysis bullosa dystrophica inversa. Last evaluated: 2020-10-06. Review status: no assertion criteria provided. Collection method: clinical testing. Allele origin: germline. Not counted in ClinVar's aggregate classification.